The following is an entry in ClinVar:

ClinVar aggregate classification (germline): Uncertain significance. Review status: criteria provided, multiple submitters, no conflicts (2 of 4 stars). 3 submissions from 3 submitters: Uncertain significance (3). Last evaluated 2025-06-17.

Conditions:
Cardiovascular phenotype. Identifiers: MedGen CN230736.
Familial hypobetalipoproteinemia 1. Also called: Hypobetalipoproteinemia, normotriglyceridemic; Acanthocytosis with hypobetalipoproteinemia; APOB-Related Familial Hypobetalipoproteinemia. Identifiers: MedGen C4551990, MONDO:0014252, OMIM 615558.
Hypercholesterolemia, autosomal dominant, type B (FHCL2). Also called: Familial Hypercholesterolemia Type B; APOLIPOPROTEIN B-100, FAMILIAL DEFECTIVE; APOLIPOPROTEIN B-100, FAMILIAL LIGAND-DEFECTIVE; HYPERCHOLESTEROLEMIA, FAMILIAL, DUE TO LIGAND-DEFECTIVE APOLIPOPROTEIN B; Familial hypercholesterolemia 2; APOB-Related Familial Hypercholesterolemia, Autosomal Dominant. Identifiers: MedGen C1704417, MONDO:0007751, OMIM 144010.

Allele frequency attached by ClinVar (database versions not stated): gnomAD exomes below 0.00001; ExAC 0.00001; gnomAD 0.00001.
gnomAD v4.1: 7 of 1,613,840 alleles (0.00043%); highest among the groups gnomAD compares: Admixed American, 0.0033%; no homozygotes.

Submissions (3):

Labcorp Genetics (formerly Invitae), Labcorp
Classification: Uncertain significance for Familial hypobetalipoproteinemia 1; Hypercholesterolemia, autosomal dominant, type B. Last evaluated: 2025-06-17. Review status: criteria provided, single submitter. Criteria: Invitae Variant Classification Sherloc (09022015). Collection method: clinical testing. Allele origin: germline.
Comment: This sequence change replaces arginine, which is basic and polar, with glutamine, which is neutral and polar, at codon 558 of the APOB protein (p.Arg558Gln). This variant is present in population databases (rs766083346, gnomAD 0.007%). This variant has not been reported in the literature in individuals affected with APOB-related conditions. ClinVar contains an entry for this variant (Variation ID: 1777747). Invitae Evidence Modeling of protein sequence and biophysical properties (such as structural, functional, and spatial information, amino acid conservation, physicochemical variation, residue mobility, and thermodynamic stability) indicates that this missense variant is expected to disrupt APOB protein function with a positive predictive value of 95%. In summary, the available evidence is currently insufficient to determine the role of this variant in disease. Therefore, it has been classified as a Variant of Uncertain Significance.

GeneDx
Classification: Uncertain significance. Last evaluated: 2025-03-07. Review status: criteria provided, single submitter. Criteria: GeneDx Variant Classification Process June 2021. Collection method: clinical testing. Allele origin: germline. Affected: yes.
Comment: Not observed at significant frequency in large population cohorts (gnomAD); In silico analysis supports that this missense variant has a deleterious effect on protein structure/function; Has not been previously published as pathogenic or benign to our knowledge

Ambry Genetics
Classification: Uncertain significance for Cardiovascular phenotype. Last evaluated: 2021-08-22. Review status: criteria provided, single submitter. Criteria: Ambry Variant Classification Scheme 2023. Collection method: clinical testing. Allele origin: germline.
Comment: The p.R558Q variant (also known as c.1673G>A), located in coding exon 13 of the APOB gene, results from a G to A substitution at nucleotide position 1673. The arginine at codon 558 is replaced by glutamine, an amino acid with highly similar properties. This amino acid position is conserved. In addition, this alteration is predicted to be deleterious by in silico analysis. Since supporting evidence is limited at this time, the clinical significance of this alteration remains unclear.

NM_000384.3(APOB):c.1673G>A (p.Arg558Gln)

Gene: APOB (apolipoprotein B; minus strand). Cytogenetic location: 2p24.1.
Variant type: single nucleotide variant.
Coding change: c.1673G>A on transcript NM_000384.3 (MANE Select); coding-DNA position 1673, G replaced by A.
Protein change: p.Arg558Gln; replaces arginine 558 with glutamine.
Molecular consequence: missense variant.
Genome position (GRCh38, 1-based): chr2:21,028,483, C>T on the plus strand (G>A on the coding strand, the complement: APOB is on the minus strand). VCF-style: chr2-21028483-C-T. GRCh37 (hg19) VCF-style: chr2-21251355-C-T.
Other names: short protein forms R558Q.
Identifiers: ClinVar variation 1777747 (VCV001777747.6), dbSNP rs766083346, ClinGen allele CA054384.